The following is an entry in ClinVar:

ClinVar aggregate classification (germline): Uncertain significance (1 of 4 stars; one submission).

Conditions:
Neuroblastoma, susceptibility to, 3. Also called: ALK-Related Neuroblastic Tumor Susceptibility. Identifiers: Orphanet 635, MedGen C2751681, MONDO:0013083, OMIM 613014.

Allele frequency attached by ClinVar (database versions not stated): gnomAD exomes below 0.00001.
gnomAD v4.1: 1 of 1,614,246 alleles (0.000062%); highest among the groups gnomAD compares: Non-Finnish European, 0.000085%; no homozygotes.

Submission:

Labcorp Genetics (formerly Invitae), Labcorp
Classification: Uncertain significance for Neuroblastoma, susceptibility to, 3. Last evaluated: 2019-05-08. Review status: criteria provided, single submitter. Criteria: Invitae Variant Classification Sherloc (09022015). Collection method: clinical testing. Allele origin: germline.
Comment: Algorithms developed to predict the effect of missense changes on protein structure and function do not agree on the potential impact of this missense change (SIFT: "Deleterious"; PolyPhen-2: "Benign"; Align-GVGD: "Class C25"). This variant has not been reported in the literature in individuals with ALK-related disease. This variant is not present in population databases (ExAC no frequency). This sequence change replaces isoleucine with valine at codon 1005 of the ALK protein (p.Ile1005Val). The isoleucine residue is highly conserved and there is a small physicochemical difference between isoleucine and valine. In summary, the available evidence is currently insufficient to determine the role of this variant in disease. Therefore, it has been classified as a Variant of Uncertain Significance.

NM_004304.5(ALK):c.3013A>G (p.Ile1005Val)

Gene: ALK (ALK receptor tyrosine kinase; minus strand). Cytogenetic location: 2p23.2.
Variant type: single nucleotide variant.
Coding change: c.3013A>G on transcript NM_004304.5 (MANE Select); coding-DNA position 3013, A replaced by G.
Protein change: p.Ile1005Val; replaces isoleucine 1005 with valine.
Molecular consequence: missense variant.
Genome position (GRCh38, 1-based): chr2:29,226,976, T>C on the plus strand (A>G on the coding strand, the complement: ALK is on the minus strand). VCF-style: chr2-29226976-T-C. GRCh37 (hg19) VCF-style: chr2-29449842-T-C.
Other names: short protein forms I1005V.
Identifiers: ClinVar variation 948016 (VCV000948016.9), dbSNP rs1664019256, ClinGen allele CA346467641.